The following is an entry in ClinVar:

NM_013382.7(POMT2):c.50G>C (p.Arg17Pro)

Gene: POMT2 (protein O-mannosyltransferase 2; minus strand). Cytogenetic location: 14q24.3.
Variant type: single nucleotide variant.
Coding change: c.50G>C on transcript NM_013382.7 (MANE Select); coding-DNA position 50, G replaced by C.
Protein change: p.Arg17Pro; replaces arginine 17 with proline.
Molecular consequence: missense variant.
Genome position (GRCh38, 1-based): chr14:77,320,632, C>G on the plus strand (G>C on the coding strand, the complement: POMT2 is on the minus strand). VCF-style: chr14-77320632-C-G. GRCh37 (hg19) VCF-style: chr14-77786975-C-G.
Other names: short protein forms R17P.
Identifiers: ClinVar variation 430082 (VCV000430082.16), dbSNP rs753326186, ClinGen allele CA7286293.

ClinVar aggregate classification (germline): Uncertain significance. Review status: criteria provided, multiple submitters, no conflicts (2 of 4 stars). 5 submissions from 5 submitters: Uncertain significance (5). Last evaluated 2024-01-19.

Conditions:
Inborn genetic diseases. Identifiers: MedGen C0950123, MeSH D030342.
Muscular dystrophy-dystroglycanopathy (congenital with brain and eye anomalies), type A2. Also called: MUSCULAR DYSTROPHY-DYSTROGLYCANOPATHY (CONGENITAL WITH BRAIN AND EYE ANOMALIES), TYPE A, 2; WALKER-WARBURG SYNDROME OR MUSCLE-EYE-BRAIN DISEASE, POMT2-RELATED. Identifiers: Orphanet 588, Orphanet 899, MedGen C3150411, MONDO:0013154, OMIM 613150.
Muscular dystrophy-dystroglycanopathy (congenital with impaired intellectual development), type B, 2. Also called: Muscular dystrophy-dystroglycanopathy (congenital with intellectual disability), type B2; MUSCULAR DYSTROPHY, CONGENITAL, POMT2-RELATED. Identifiers: MedGen C3150416, MONDO:0013160, OMIM 613156.
Autosomal recessive limb-girdle muscular dystrophy type 2N. Also called: MUSCULAR DYSTROPHY-DYSTROGLYCANOPATHY, LIMB-GIRDLE, POMT2-RELATED; Muscular dystrophy-dystroglycanopathy (limb-girdle), type C, 2. Identifiers: Orphanet 206559, MedGen C3150418, MONDO:0013162, OMIM 613158.

Allele frequency attached by ClinVar (database versions not stated): gnomAD 0.00001; TOPMed 0.00001.
gnomAD v4.1: 25 of 1,592,168 alleles (0.0016%); highest among the groups gnomAD compares: Non-Finnish European, 0.001%; no homozygotes.

Submissions (5):

Ambry Genetics
Classification: Uncertain significance for Inborn genetic diseases. Last evaluated: 2024-01-19. Review status: criteria provided, single submitter. Criteria: Ambry Variant Classification Scheme 2023. Collection method: clinical testing. Allele origin: germline.

Labcorp Genetics (formerly Invitae), Labcorp
Classification: Uncertain significance for Muscular dystrophy-dystroglycanopathy (congenital with impaired intellectual development), type B, 2; Muscular dystrophy-dystroglycanopathy (congenital with brain and eye anomalies), type A2; Autosomal recessive limb-girdle muscular dystrophy type 2N. Last evaluated: 2021-09-01. Review status: criteria provided, single submitter. Criteria: Invitae Variant Classification Sherloc (09022015). Collection method: clinical testing. Allele origin: germline.
Comment: This sequence change replaces arginine with proline at codon 17 of the POMT2 protein (p.Arg17Pro). The arginine residue is moderately conserved and there is a moderate physicochemical difference between arginine and proline. This variant is present in population databases (rs753326186, ExAC 0.007%). This variant has not been reported in the literature in individuals affected with POMT2-related conditions. ClinVar contains an entry for this variant (Variation ID: 430082). Algorithms developed to predict the effect of missense changes on protein structure and function are either unavailable or do not agree on the potential impact of this missense change (SIFT: "Tolerated"; PolyPhen-2: "Probably Damaging"; Align-GVGD: "Class C0"). In summary, the available evidence is currently insufficient to determine the role of this variant in disease. Therefore, it has been classified as a Variant of Uncertain Significance.

Illumina Laboratory Services, Illumina
Classification: Uncertain significance for Autosomal recessive limb-girdle muscular dystrophy type 2N. Last evaluated: 2018-01-13. Review status: criteria provided, single submitter. Criteria: ICSL Variant Classification Criteria 13 December 2019. Collection method: clinical testing. Allele origin: germline.

Eurofins Ntd Llc (ga)
Classification: Uncertain significance. Last evaluated: 2017-11-07. Review status: criteria provided, single submitter. Criteria: EGL Classification Definitions 2015. Collection method: clinical testing. Allele origin: germline. Observed: 1 variant allele, 1 heterozygote.

GeneDx
Classification: Uncertain significance. Last evaluated: 2017-05-19. Review status: criteria provided, single submitter. Criteria: GeneDx Variant Classification (06012015). Collection method: clinical testing. Allele origin: germline. Affected: yes.
Comment: The R17P variant in the POMT2 gene has not been reported previously as a pathogenic variant, nor as a benign variant, to our knowledge. The R17P variant is not observed at a significant frequency in large population cohorts (Lek et al., 2016; 1000 Genomes Consortium et al., 2015; Exome Variant Server). The R17P variant is a non-conservative amino acid substitution, which is likely to impact secondary protein structure as these residues differ in polarity, charge, size and/or other properties. This substitution occurs at a position that is conserved in mammals. In silico analysis is inconsistent in its predictions as to whether or not the variant is damaging to the protein structure/function. Therefore, we interpret R17P as a variant of uncertain significance.